The following is an entry in ClinVar:

ClinVar aggregate classification (germline): Likely benign. Review status: criteria provided, multiple submitters, no conflicts (2 of 4 stars). 3 submissions from 3 submitters: Likely benign (2). 1 of the submissions does not count toward it. Last evaluated 2025-02-10.

Conditions:
Progressive myoclonic epilepsy. Also called: Familial progressive myoclonic epilepsy; Myoclonus epilepsy; Progressive myoclonus epilepsy; Myoclonic Epilepsies, Progressive. Identifiers: Orphanet 308, Orphanet 98261, MedGen C0751778, MONDO:0020074.

Allele frequency attached by ClinVar (database versions not stated): ExAC 0.00001; gnomAD 0.00001; gnomAD exomes 0.00001.
gnomAD v4.1: 8 of 1,614,108 alleles (0.0005%); highest among the groups gnomAD compares: African/African-American, 0.0027%; no homozygotes.

Submissions (3):

Labcorp Genetics (formerly Invitae), Labcorp
Classification: Likely benign for Progressive myoclonic epilepsy. Last evaluated: 2025-02-10. Review status: criteria provided, single submitter. Criteria: Invitae Variant Classification Sherloc (09022015). Collection method: clinical testing. Allele origin: germline.

GeneDx
Classification: Likely benign. Last evaluated: 2016-07-06. Review status: criteria provided, single submitter. Criteria: GeneDx Variant Classification (06012015). Collection method: clinical testing. Allele origin: germline. Affected: yes.
Comment: This variant is considered likely benign or benign based on one or more of the following criteria: it is a conservative change, it occurs at a poorly conserved position in the protein, it is predicted to be benign by multiple in silico algorithms, and/or has population frequency not consistent with disease.

Department of Pathology and Laboratory Medicine, Sinai Health System
Classification: Uncertain significance. Review status: no assertion criteria provided. Collection method: clinical testing. Allele origin: unknown. Affected: yes. Study: The Canadian Open Genetics Repository (COGR). Not counted in ClinVar's aggregate classification.

NM_005670.4(EPM2A):c.822C>T (p.Thr274=)

Gene: EPM2A (EPM2A glucan phosphatase, laforin; minus strand). Cytogenetic location: 6q24.3.
Variant type: single nucleotide variant.
Coding change: c.822C>T on transcript NM_005670.4 (MANE Select); coding-DNA position 822, C replaced by T.
Protein change: p.Thr274=; no amino-acid change (threonine 274 retained).
Molecular consequence: synonymous variant. On other transcripts: missense variant (1), non-coding transcript variant (1).
Genome position (GRCh38, 1-based): chr6:145,627,590, G>A on the plus strand (C>T on the coding strand, the complement: EPM2A is on the minus strand). VCF-style: chr6-145627590-G-A. GRCh37 (hg19) VCF-style: chr6-145948726-G-A.
Other names: c.822C>T, p.Thr274= (NM_001018041.2); c.580C>T, p.Arg194Cys (NM_001360057.2); c.408C>T, p.Thr136= (NM_001360064.2, NM_001360071.2, NM_001368131.1); c.360C>T, p.Thr120= (NM_001368129.2, NM_001368132.1); short protein forms R194C.
Identifiers: ClinVar variation 387503 (VCV000387503.6), dbSNP rs763812238, ClinGen allele CA4035064.
Genomic context (GRCh38, chr6:145,627,590, plus strand): 5'-ATACTGCACCTTCCTCAGATTCCAGCCCATCACATACTGGAGCCAGCCGCAGACAGCCGC[G>A]GTGGAGCGGCCCACCCCAGCGTTGCAGTGCACGTACACGATGTGTCCCTTCTCCAGCAGC-3'
Protein context (NP_005661.1, residues 264-284): VHCNAGVGRS[Thr274=]AAVCGWLQYV